The following is an entry in ClinVar:

ClinVar aggregate classification (germline): Uncertain significance (0 of 4 stars; one submission).

Conditions:
FRAS1-related disorder. Also called: FRAS1-related condition.

gnomAD v4.1: 2 of 1,613,934 alleles (0.00012%); highest among the groups gnomAD compares: Admixed American, 0.0017%; no homozygotes.

Submission:

PreventionGenetics, part of Exact Sciences
Classification: Uncertain significance for FRAS1-related condition. Last evaluated: 2024-07-23. Review status: no assertion criteria provided. Collection method: clinical testing. Allele origin: germline.
Comment: The FRAS1 c.11240G>A variant is predicted to result in the amino acid substitution p.Gly3747Glu. To our knowledge, this variant has not been reported in the literature. This variant is reported in 0.0033% of alleles in individuals of South Asian descent in gnomAD. At this time, the clinical significance of this variant is uncertain due to the absence of conclusive functional and genetic evidence.

NM_025074.7(FRAS1):c.11240G>A (p.Gly3747Glu)

Gene: FRAS1 (Fraser extracellular matrix complex subunit 1; plus strand). Cytogenetic location: 4q21.21.
Variant type: single nucleotide variant.
Coding change: c.11240G>A on transcript NM_025074.7 (MANE Select); coding-DNA position 11240, G replaced by A.
Protein change: p.Gly3747Glu; replaces glycine 3747 with glutamic acid.
Molecular consequence: missense variant.
Genome position (GRCh38, 1-based): chr4:78,537,142, G>A. VCF-style: chr4-78537142-G-A. GRCh37 (hg19) VCF-style: chr4-79458296-G-A.
Other names: short protein forms G3747E.
Identifiers: ClinVar variation 3347360 (VCV003347360.1).
Genomic context (GRCh38, chr4:78,537,142, plus strand): 5'-GTACGGGCAAGGATGGTTATGTGCCTTTCTTTGATCCCACGGGGACAATCTACAATGAAG[G>A]GCCCCAGTATGGATGCATTCAGCCAAACAAACACCTAAAACACAGATTCCTGCTGTTGGT-3'
Protein context (NP_079350.5, residues 3737-3757): FDPTGTIYNE[Gly3747Glu]PQYGCIQPNK